The following is an entry in ClinVar:

ClinVar aggregate classification (germline): Uncertain significance (1 of 4 stars; one submission).

Conditions:
Combined oxidative phosphorylation defect type 13. Also called: Combined oxidative phosphorylation deficiency 13. Identifiers: Orphanet 319514, MedGen C4706283, MONDO:0013977, OMIM 614932.

Submission:

Institute of Human Genetics, University of Goettingen
Classification: Uncertain significance for Combined oxidative phosphorylation defect type 13. Last evaluated: 2024-01-22. Review status: criteria provided, single submitter. Criteria: ACMG Guidelines, 2015. Collection method: clinical testing. Allele origin: unknown. Inheritance: Autosomal recessive inheritance. Observed: 1 homozygote.
Comment: The variant c.1528G>A (p.(Ala510Thr)) in exon 19 of the PNPT1-gene is not found in the gnomAD database, it affects a moderately conserved nucleotide, a highly conserved amino acid within a protein domain and there is a small physicochemical difference between Ala and Thr. p.(Ala510Thr) is a missense mutation at an amino acid residue where another missense change determined to be pathogenic has been already described (p.Ala510Pro, PMID: 27759031). This variant has a pathogenic computational verdict based in silico prediction models. ACMG criteria used for classification: PM2_supp, PM5, PP3, PP4.

Literature cited by the submitters: PubMed 27759031.

NM_033109.5(PNPT1):c.1528G>A (p.Ala510Thr)

Gene: PNPT1 (polyribonucleotide nucleotidyltransferase 1; minus strand). Cytogenetic location: 2p16.1.
Variant type: single nucleotide variant.
Coding change: c.1528G>A on transcript NM_033109.5 (MANE Select); coding-DNA position 1528, G replaced by A.
Protein change: p.Ala510Thr; replaces alanine 510 with threonine.
Molecular consequence: missense variant.
Genome position (GRCh38, 1-based): chr2:55,647,421, C>T on the plus strand (G>A on the coding strand, the complement: PNPT1 is on the minus strand). VCF-style: chr2-55647421-C-T. GRCh37 (hg19) VCF-style: chr2-55874556-C-T.
Other names: short protein forms A510T.
Identifiers: ClinVar variation 2687785 (VCV002687785.2), dbSNP rs879255657, ClinGen allele CA346926136.